The following is an entry in ClinVar:

ClinVar aggregate classification (germline): Conflicting classifications of pathogenicity. Review status: criteria provided, conflicting classifications (1 of 4 stars). 4 submissions from 4 submitters: Uncertain significance (3); Likely benign (1). Last evaluated 2022-05-04.

Conditions:
Cardiovascular phenotype. Identifiers: MedGen CN230736.

Allele frequency attached by ClinVar (database versions not stated): 1000 Genomes Project 30x 0.00016; gnomAD 0.00006; ExAC 0.00008; 1000 Genomes Project 0.00020; TOPMed 0.00008.
gnomAD v4.1: 148 of 1,575,400 alleles (0.0094%); highest among the groups gnomAD compares: Non-Finnish European, 0.012%; no homozygotes.

Submissions (4):

Labcorp Genetics (formerly Invitae), Labcorp
Classification: Uncertain significance. Last evaluated: 2022-05-04. Review status: criteria provided, single submitter. Criteria: Invitae Variant Classification Sherloc (09022015). Collection method: clinical testing. Allele origin: germline.
Comment: This sequence change replaces arginine, which is basic and polar, with glutamine, which is neutral and polar, at codon 64 of the GPIHBP1 protein (p.Arg64Gln). This variant is present in population databases (rs578073937, gnomAD 0.02%). This variant has not been reported in the literature in individuals affected with GPIHBP1-related conditions. ClinVar contains an entry for this variant (Variation ID: 978326). Algorithms developed to predict the effect of missense changes on protein structure and function output the following: SIFT: "Tolerated"; PolyPhen-2: "Benign"; Align-GVGD: "Class C0". The glutamine amino acid residue is found in multiple mammalian species, which suggests that this missense change does not adversely affect protein function. Algorithms developed to predict the effect of sequence changes on RNA splicing suggest that this variant may create or strengthen a splice site. In summary, the available evidence is currently insufficient to determine the role of this variant in disease. Therefore, it has been classified as a Variant of Uncertain Significance.

Ambry Genetics
Classification: Likely benign for Cardiovascular phenotype. Last evaluated: 2022-03-06. Review status: criteria provided, single submitter. Criteria: Ambry Variant Classification Scheme 2023. Collection method: clinical testing. Allele origin: germline.

Molecular Diagnostic Laboratory for Inherited Cardiovascular Disease, Montreal Heart Institute
Classification: Uncertain significance. Last evaluated: 2019-05-15. Review status: criteria provided, single submitter. Criteria: ACMG Guidelines, 2015. Collection method: clinical testing. Allele origin: germline. Affected: yes.

Breakthrough Genomics
Classification: Uncertain significance. Review status: criteria provided, single submitter. Criteria: ACMG Guidelines, 2015. Collection method: not provided. Allele origin: germline. Inheritance: Autosomal recessive inheritance. Affected: yes.

NM_178172.6(GPIHBP1):c.191G>A (p.Arg64Gln)

Gene: GPIHBP1 (glycosylphosphatidylinositol anchored high density lipoprotein binding protein 1; plus strand). Cytogenetic location: 8q24.3.
Variant type: single nucleotide variant.
Coding change: c.191G>A on transcript NM_178172.6 (MANE Select); coding-DNA position 191, G replaced by A.
Protein change: p.Arg64Gln; replaces arginine 64 with glutamine.
Molecular consequence: missense variant.
Genome position (GRCh38, 1-based): chr8:143,215,022, G>A. VCF-style: chr8-143215022-G-A. GRCh37 (hg19) VCF-style: chr8-144296897-G-A.
Other names: c.191G>A, p.Arg64Gln (NM_001301772.2); short protein forms R64Q.
Identifiers: ClinVar variation 978326 (VCV000978326.8), dbSNP rs578073937, ClinGen allele CA4907049.